The following is an entry in ClinVar:

NM_201596.3(CACNB2):c.1303-296T>C

Gene: CACNB2 (calcium voltage-gated channel auxiliary subunit beta 2; plus strand). Cytogenetic location: 10p12.31.
Variant type: single nucleotide variant.
Coding change: c.1303-296T>C on transcript NM_201596.3 (MANE Select); 296 bases into the intron before coding-DNA position 1303, T replaced by C.
Molecular consequence: intron variant.
Genome position (GRCh38, 1-based): chr10:18,537,884, T>C. VCF-style: chr10-18537884-T-C. GRCh37 (hg19) VCF-style: chr10-18826813-T-C.
Other names: c.1219-296T>C (NM_201571.4); c.1105-296T>C (NM_001167945.2); c.1147-296T>C (NM_201572.4); c.1189-296T>C (NM_201593.3); c.1231-296T>C (NM_201597.3); c.1138-296T>C (NM_000724.4); c.1024-296T>C (NM_001330060.2); c.1141-296T>C (NM_201590.3); and 1 more.
Identifiers: ClinVar variation 683287 (VCV000683287.1), dbSNP rs10828870, ClinGen allele CA15631875.

ClinVar aggregate classification (germline): Benign (1 of 4 stars; one submission).

Allele frequency attached by ClinVar (database versions not stated): gnomAD 0.34275 and 0.35043; TOPMed 0.34545; 1000 Genomes Project 30x 0.40116; 1000 Genomes Project 0.41134.
gnomAD v4.1: 53,193 of 152,066 alleles (35%); highest among the groups gnomAD compares: East Asian, 74%; 9,901 homozygotes.

Submission:

GeneDx
Classification: Benign. Last evaluated: 2018-06-19. Review status: criteria provided, single submitter. Criteria: GeneDx Variant Classification (06012015). Collection method: clinical testing. Allele origin: germline. Affected: yes.
Comment: This variant is considered likely benign or benign based on one or more of the following criteria: it is a conservative change, it occurs at a poorly conserved position in the protein, it is predicted to be benign by multiple in silico algorithms, and/or has population frequency not consistent with disease.